The following is an entry in ClinVar:

NM_001458.5(FLNC):c.6134G>A (p.Arg2045Gln)

Genes: FLNC (filamin C; plus strand), FLNC-AS1 (FLNC antisense RNA 1; minus strand). Cytogenetic location: 7q32.1.
Variant type: single nucleotide variant.
Coding change: c.6134G>A on transcript NM_001458.5 (MANE Select); coding-DNA position 6134, G replaced by A.
Protein change: p.Arg2045Gln; replaces arginine 2045 with glutamine.
Molecular consequence: missense variant.
Genome position (GRCh38, 1-based): chr7:128,852,957, G>A. VCF-style: chr7-128852957-G-A. GRCh37 (hg19) VCF-style: chr7-128493011-G-A.
Other names: c.6035G>A, p.Arg2012Gln (NM_001127487.2); short protein forms R2045Q, R2012Q.
Identifiers: ClinVar variation 567868 (VCV000567868.18), dbSNP rs747196571, ClinGen allele CA4475896.

ClinVar aggregate classification (germline): Conflicting classifications of pathogenicity. Review status: criteria provided, conflicting classifications (1 of 4 stars). 6 submissions from 6 submitters: Uncertain significance (2); Likely benign (2). 2 of the submissions do not count toward it. Last evaluated 2026-01-25.

Conditions:
Distal myopathy with posterior leg and anterior hand involvement. Also called: WILLIAMS DISTAL MYOPATHY. Identifiers: Orphanet 63273, MedGen C3279722, MONDO:0013550, OMIM 614065.
Myofibrillar myopathy 5. Also called: FILAMINOPATHY, AUTOSOMAL DOMINANT; Filaminopathy (type). Identifiers: Orphanet 171445, MedGen C1836050, MONDO:0012289, OMIM 609524.
Hypertrophic cardiomyopathy 26. Also called: Cardiomyopathy, familial hypertrophic, 26. Identifiers: Orphanet 75249, MedGen C4310749, MONDO:0014883, OMIM 617047.
Cardiovascular phenotype. Identifiers: MedGen CN230736.

Allele frequency attached by ClinVar (database versions not stated): ExAC 0.00005; gnomAD 0.00006 and 0.00007; TOPMed 0.00006.
gnomAD v4.1: 74 of 1,613,426 alleles (0.0046%); highest among the groups gnomAD compares: African/African-American, 0.02%; no homozygotes.

Submissions (6):

Labcorp Genetics (formerly Invitae), Labcorp
Classification: Likely benign for Distal myopathy with posterior leg and anterior hand involvement; Myofibrillar myopathy 5; Hypertrophic cardiomyopathy 26. Last evaluated: 2026-01-25. Review status: criteria provided, single submitter. Criteria: Invitae Variant Classification Sherloc (09022015). Collection method: clinical testing. Allele origin: germline.

Ambry Genetics
Classification: Uncertain significance for Cardiovascular phenotype. Last evaluated: 2025-02-19. Review status: criteria provided, single submitter. Criteria: Ambry Variant Classification Scheme 2023. Collection method: clinical testing. Allele origin: germline.
Comment: The p.R2045Q variant (also known as c.6134G>A), located in coding exon 37 of the FLNC gene, results from a G to A substitution at nucleotide position 6134. The arginine at codon 2045 is replaced by glutamine, an amino acid with highly similar properties. This variant has been detected in hypertrophic cardiomyopathy and dilated cardiomyopathy cohorts; and in some cases, it co-occurred with other variants in cardiomyopathy-related genes, and, in one family, did not appear to be segregating with disease (Chanavat V et al. Clin. Chim. Acta, 2016 Jan;453:80-5; G&oacute;mez J et al. Circ Cardiovasc Genet, 2017 Apr;10; G&oacute;mez J et al. Circ Cardiovasc Genet, 2017 Apr;10; Gao J et al. Int J Mol Sci, 2020 Apr;21). This amino acid position is not well conserved in available vertebrate species. In addition, the in silico prediction for this alteration is inconclusive. Since supporting evidence is limited at this time, the clinical significance of this alteration remains unclear.

AiLife Diagnostics
Classification: Uncertain significance. Last evaluated: 2020-06-04. Review status: criteria provided, single submitter. Criteria: ACMG Guidelines, 2015. Collection method: clinical testing. Allele origin: germline. Affected: yes. Observed: 1 variant allele.

GeneDx
Classification: Likely benign. Last evaluated: 2020-02-19. Review status: criteria provided, single submitter. Criteria: GeneDx Variant Classification Process June 2021. Collection method: clinical testing. Allele origin: germline. Affected: yes.
Comment: This variant is associated with the following publications: (PMID: 28356264, 26688388)

Clinical Genetics DNA and cytogenetics Diagnostics Lab, Erasmus MC, Erasmus Medical Center
Classification: Uncertain significance. Review status: no assertion criteria provided. Collection method: clinical testing. Allele origin: germline. Affected: yes. Study: VKGL Data-share Consensus. Not counted in ClinVar's aggregate classification.

Clinical Genetics, Academic Medical Center
Classification: Uncertain significance. Review status: no assertion criteria provided. Collection method: clinical testing. Allele origin: germline. Affected: yes. Study: VKGL Data-share Consensus. Not counted in ClinVar's aggregate classification.

Literature cited by the submitters: PubMed 26688388 (cited by Ambry Genetics and AiLife Diagnostics); PubMed 28356264 (cited by Ambry Genetics); PubMed 28436997 (cited by Ambry Genetics); PubMed 32344918 (cited by Ambry Genetics).